The following is an entry in ClinVar:

ClinVar aggregate classification (germline): Benign (1 of 4 stars; one submission).

Conditions:
Leigh syndrome (NULS). Also called: Leigh's necrotizing encephalopathy; Leigh's disease; Leigh Syndrome (mtDNA deletion); Leigh Disease; Subacute necrotizing encephalopathy; Necrotizing encephalopathy infantile subacute of Leigh. Identifiers: Orphanet 506, MedGen C2931891, MONDO:0009723, OMIM 256000.

Submission:

Wong Mito Lab, Molecular and Human Genetics, Baylor College of Medicine
Classification: Benign for Leigh syndrome. Last evaluated: 2019-10-17. Review status: criteria provided, single submitter. Criteria: Modified ACMG Guidelines (Unpublished). Collection method: clinical testing. Allele origin: germline.
Comment: The NC_012920.1:m.5437C>T (YP_003024027.1:p.Thr323Ile) variant in MTND2 gene is interpretated to be a Benign variant based on the modified ACMG guidelines (unpublished). This variant meets the following evidence codes: BS1, BS2, BP4

NC_012920.1(MT-ND2):m.5437C>T

Gene: MT-ND2 (mitochondrially encoded NADH dehydrogenase 2; plus strand).
Variant type: single nucleotide variant.
Genome position: chrM-5437-C-T.
Identifiers: ClinVar variation 692586 (VCV000692586.1), dbSNP rs1603219948, ClinGen allele CA414780351.